The following is an entry in ClinVar:

ClinVar aggregate classification (germline): Uncertain significance (1 of 4 stars; one submission).

Conditions:
3-methylcrotonyl-CoA carboxylase 2 deficiency. Also called: 3 alpha methylcrotonyl-CoA carboxylase 2 deficiency; 3 alpha methylcrotonylglycinuria 2; MCC 2 deficiency; Methylcrotonylglycinuria type 2; METHYLCROTONYLGLYCINURIA, TYPE II. Identifiers: Orphanet 6, MedGen C1859499, MONDO:0008862, OMIM 210210.

Allele frequency attached by ClinVar (database versions not stated): gnomAD exomes below 0.00001.
gnomAD v4.1: 1 of 1,614,160 alleles (0.000062%); highest among the groups gnomAD compares: Non-Finnish European, 0.000085%; no homozygotes.

Submission:

Labcorp Genetics (formerly Invitae), Labcorp
Classification: Uncertain significance for 3-methylcrotonyl-CoA carboxylase 2 deficiency. Last evaluated: 2021-12-26. Review status: criteria provided, single submitter. Criteria: Invitae Variant Classification Sherloc (09022015). Collection method: clinical testing. Allele origin: germline.
Comment: This sequence change replaces leucine, which is neutral and non-polar, with proline, which is neutral and non-polar, at codon 265 of the MCCC2 protein (p.Leu265Pro). This variant is not present in population databases (gnomAD no frequency). This missense change has been observed in individual(s) with clinical features of 3MCC deficiency (Invitae). ClinVar contains an entry for this variant (Variation ID: 963201). Advanced modeling of protein sequence and biophysical properties (such as structural, functional, and spatial information, amino acid conservation, physicochemical variation, residue mobility, and thermodynamic stability) performed at Invitae indicates that this missense variant is expected to disrupt MCCC2 protein function. In summary, the available evidence is currently insufficient to determine the role of this variant in disease. Therefore, it has been classified as a Variant of Uncertain Significance.

NM_022132.5(MCCC2):c.794T>C (p.Leu265Pro)

Gene: MCCC2 (methylcrotonyl-CoA carboxylase subunit 2; plus strand). Cytogenetic location: 5q13.2.
Variant type: single nucleotide variant.
Coding change: c.794T>C on transcript NM_022132.5 (MANE Select); coding-DNA position 794, T replaced by C.
Protein change: p.Leu265Pro; replaces leucine 265 with proline.
Molecular consequence: missense variant.
Genome position (GRCh38, 1-based): chr5:71,632,176, T>C. VCF-style: chr5-71632176-T-C. GRCh37 (hg19) VCF-style: chr5-70928003-T-C.
Other names: c.680T>C, p.Leu227Pro (NM_001363147.1); short protein forms L227P, L265P.
Identifiers: ClinVar variation 963201 (VCV000963201.7), dbSNP rs1746740255, ClinGen allele CA359985043.